The following is an entry in ClinVar:

NM_000327.4(ROM1):c.1027C>A (p.Pro343Thr)

Gene: ROM1 (retinal outer segment membrane protein 1; plus strand). Cytogenetic location: 11q12.3.
Variant type: single nucleotide variant.
Coding change: c.1027C>A on transcript NM_000327.4 (MANE Select); coding-DNA position 1027, C replaced by A.
Protein change: p.Pro343Thr; replaces proline 343 with threonine.
Molecular consequence: missense variant.
Genome position (GRCh38, 1-based): chr11:62,614,810, C>A. VCF-style: chr11-62614810-C-A. GRCh37 (hg19) VCF-style: chr11-62382282-C-A.
Other names: c.1027C>A (NM_000327.3); short protein forms P343T.
Identifiers: ClinVar variation 1366302 (VCV001366302.9), dbSNP rs749612573, ClinGen allele CA6049903.
Genomic context (GRCh38, chr11:62,614,810, plus strand): 5'-TGGCTACAGGGAGGGGTTGCCTGCAGGCCAGCACCTGAGGAGGCCCCACCAGGAGAAGCA[C>A]CTCCCAAGGAGGATCTATCTGAGGCCTAGAGGCCTGGAGCTTGGGGTGAGGAAGAGGGAG-3'
Protein context (NP_000318.2, residues 333-351): APEEAPPGEA[Pro343Thr]PKEDLSEA

ClinVar aggregate classification (germline): Uncertain significance. Review status: criteria provided, multiple submitters, no conflicts (2 of 4 stars). 2 submissions from 2 submitters: Uncertain significance (2). Last evaluated 2025-03-25.

Allele frequency attached by ClinVar (database versions not stated): gnomAD exomes below 0.00001; ExAC 0.00001; gnomAD 0.00001; TOPMed 0.00001.
gnomAD v4.1: 3 of 1,613,934 alleles (0.00019%); highest among the groups gnomAD compares: Non-Finnish European, 0.00025%; no homozygotes.

Submissions (2):

Ambry Genetics
Classification: Uncertain significance. Last evaluated: 2025-03-25. Review status: criteria provided, single submitter. Criteria: Ambry Variant Classification Scheme 2023. Collection method: clinical testing. Allele origin: germline.

Labcorp Genetics (formerly Invitae), Labcorp
Classification: Uncertain significance. Last evaluated: 2022-11-18. Review status: criteria provided, single submitter. Criteria: Invitae Variant Classification Sherloc (09022015). Collection method: clinical testing. Allele origin: germline.
Comment: In summary, the available evidence is currently insufficient to determine the role of this variant in disease. Therefore, it has been classified as a Variant of Uncertain Significance. Algorithms developed to predict the effect of missense changes on protein structure and function are either unavailable or do not agree on the potential impact of this missense change (SIFT: "Deleterious"; PolyPhen-2: "Benign"; Align-GVGD: "Class C0"). ClinVar contains an entry for this variant (Variation ID: 1366302). This variant has not been reported in the literature in individuals affected with ROM1-related conditions. This variant is present in population databases (rs749612573, gnomAD 0.0009%). This sequence change replaces proline, which is neutral and non-polar, with threonine, which is neutral and polar, at codon 343 of the ROM1 protein (p.Pro343Thr).